The following is an entry in ClinVar:

NM_032043.3(BRIP1):c.2429T>G (p.Leu810Arg)

Gene: BRIP1 (BRCA1 interacting DNA helicase 1; minus strand). Cytogenetic location: 17q23.2.
Variant type: single nucleotide variant.
Coding change: c.2429T>G on transcript NM_032043.3 (MANE Select); coding-DNA position 2429, T replaced by G.
Protein change: p.Leu810Arg; replaces leucine 810 with arginine.
Molecular consequence: missense variant.
Genome position (GRCh38, 1-based): chr17:61,716,014, A>C on the plus strand (T>G on the coding strand, the complement: BRIP1 is on the minus strand). VCF-style: chr17-61716014-A-C. GRCh37 (hg19) VCF-style: chr17-59793375-A-C.
Other names: short protein forms L810R.
Identifiers: ClinVar variation 1791132 (VCV001791132.5), dbSNP rs2061855206, ClinGen allele CA400479648.
Genomic context (GRCh38, chr17:61,716,014, plus strand): 5'-CCAAGGGCCTGGTTTAAGGCCCTGTATGCTTGAATTTCATACCACTGACGGCCAGGTAGA[A>C]GACCTCTCAATTTTGAATGGTGGTCATTGTATTGTCGTTTTAGTTCAACCTAATAATTTT-3'
Protein context (NP_114432.2, residues 800-820): YNDHHSKLRG[Leu810Arg]LPGRQWYEIQ

ClinVar aggregate classification (germline): Uncertain significance. Review status: criteria provided, multiple submitters, no conflicts (2 of 4 stars). 2 submissions from 2 submitters: Uncertain significance (2). Last evaluated 2025-04-14.

Conditions:
Familial cancer of breast. Also called: BREAST CANCER, FAMILIAL; hereditary breast carcinoma; Hereditary breast cancer. Identifiers: Orphanet 227535, MedGen C0346153, MONDO:0016419, OMIM 114480. Disease mechanism: loss of function.
Fanconi anemia complementation group J. Also called: BRIP1-Related Fanconi Anemia. Identifiers: Orphanet 84, MedGen C1836860, MONDO:0012187, OMIM 609054.
Hereditary cancer-predisposing syndrome. Also called: Neoplastic Syndromes, Hereditary; Tumor predisposition; Hereditary neoplastic syndrome; Hereditary Cancer Syndrome. Identifiers: Orphanet 140162, MedGen C0027672, MeSH D009386, MONDO:0015356.

Submissions (2):

Labcorp Genetics (formerly Invitae), Labcorp
Classification: Uncertain significance for Familial cancer of breast; Fanconi anemia complementation group J. Last evaluated: 2025-04-14. Review status: criteria provided, single submitter. Criteria: Invitae Variant Classification Sherloc (09022015). Collection method: clinical testing. Allele origin: germline.
Comment: This sequence change replaces leucine, which is neutral and non-polar, with arginine, which is basic and polar, at codon 810 of the BRIP1 protein (p.Leu810Arg). This variant is not present in population databases (gnomAD no frequency). This variant has not been reported in the literature in individuals affected with BRIP1-related conditions. ClinVar contains an entry for this variant (Variation ID: 1791132). Invitae Evidence Modeling of protein sequence and biophysical properties (such as structural, functional, and spatial information, amino acid conservation, physicochemical variation, residue mobility, and thermodynamic stability) has been performed for this missense variant. However, the output from this modeling did not meet the statistical confidence thresholds required to predict the impact of this variant on BRIP1 protein function. In summary, the available evidence is currently insufficient to determine the role of this variant in disease. Therefore, it has been classified as a Variant of Uncertain Significance.

Ambry Genetics
Classification: Uncertain significance for Hereditary cancer-predisposing syndrome. Last evaluated: 2022-03-29. Review status: criteria provided, single submitter. Criteria: Ambry Variant Classification Scheme 2023. Collection method: clinical testing. Allele origin: germline.
Comment: The p.L810R variant (also known as c.2429T>G), located in coding exon 16 of the BRIP1 gene, results from a T to G substitution at nucleotide position 2429. The leucine at codon 810 is replaced by arginine, an amino acid with dissimilar properties. This amino acid position is conserved. In addition, this alteration is predicted to be deleterious by in silico analysis. Since supporting evidence is limited at this time, the clinical significance of this alteration remains unclear.